The following is an entry in ClinVar:

NM_001943.5(DSG2):c.-1G>C

Genes: DSG2 (desmoglein 2; plus strand), LOC130062340 (ATAC-STARR-seq lymphoblastoid silent region 9384; plus strand). Cytogenetic location: 18q12.1.
Variant type: single nucleotide variant.
Coding change: c.-1G>C on transcript NM_001943.5 (MANE Select); 1 bases upstream of the start codon, G replaced by C.
Molecular consequence: 5 prime UTR variant.
Genome position (GRCh38, 1-based): chr18:31,498,251, G>C. VCF-style: chr18-31498251-G-C. GRCh37 (hg19) VCF-style: chr18-29078214-G-C.
Identifiers: ClinVar variation 510690 (VCV000510690.15), dbSNP rs1012160082, ClinGen allele CA297713102.

ClinVar aggregate classification (germline): Conflicting classifications of pathogenicity. Review status: criteria provided, conflicting classifications (1 of 4 stars). 4 submissions from 4 submitters: Uncertain significance (2); Likely benign (2). Last evaluated 2025-06-30.

Conditions:
Cardiovascular phenotype. Identifiers: MedGen CN230736.
Cardiomyopathy (CMYO). Also called: Cardiomyopathies. Identifiers: Orphanet 167848, MedGen C0878544, MONDO:0004994, HP:0001638. Inheritance: Various modes of inheritance.

Allele frequency attached by ClinVar (database versions not stated): TOPMed 0.00003; gnomAD 0.00004.
gnomAD v4.1: 43 of 1,258,426 alleles (0.0034%); highest among the groups gnomAD compares: Non-Finnish European, 0.0041%; no homozygotes.

Submissions (4):

Color Diagnostics, LLC DBA Color Health
Classification: Uncertain significance for Cardiomyopathy. Last evaluated: 2025-06-30. Review status: criteria provided, single submitter. Criteria: ACMG Guidelines, 2015. Collection method: clinical testing. Allele origin: germline.
Comment: This variant occurs in the 5' untranslated region of the DSG2 gene, 1 bp upstream of the translational start codon (ATG). Computational prediction tools and conservation analyses suggest that this variant may not impact translation or protein function. To our knowledge, functional assays have not been performed for this variant. This variant has not been reported in individuals affected with DSG2-related disorders in the literature. This variant has not been identified in the general population by the Genome Aggregation Database (gnomAD). The available evidence is insufficient to determine the role of this variant in disease conclusively. Therefore, this variant is classified as a Variant of Uncertain Significance.

Ambry Genetics
Classification: Uncertain significance for Cardiovascular phenotype. Last evaluated: 2023-07-26. Review status: criteria provided, single submitter. Criteria: Ambry Variant Classification Scheme 2023. Collection method: clinical testing. Allele origin: germline.
Comment: The c.-1G>C variant is located in the 5' untranslated region (5&rsquo; UTR) of the DSG2 gene. This variant results from a G to C substitution 1 nucleotide upstream from the first translated codon. This nucleotide position is well conserved in available vertebrate species. Since supporting evidence is limited at this time, the clinical significance of this alteration remains unclear.

GeneDx
Classification: Likely benign. Last evaluated: 2022-10-17. Review status: criteria provided, single submitter. Criteria: GeneDx Variant Classification Process June 2021. Collection method: clinical testing. Allele origin: germline. Affected: yes.
Comment: See Variant Classification Assertion Criteria.

Blueprint Genetics
Classification: Likely benign. Last evaluated: 2019-08-20. Review status: criteria provided, single submitter. Criteria: ACMG Guidelines, 2015. Collection method: clinical testing. Allele origin: germline.

Literature cited by the submitters: PubMed 23178689 (cited by Ambry Genetics).